The following is an entry in ClinVar:

NM_001572.5(IRF7):c.605G>C (p.Gly202Ala)

Gene: IRF7 (interferon regulatory factor 7; minus strand). Cytogenetic location: 11p15.5.
Variant type: single nucleotide variant.
Coding change: c.605G>C on transcript NM_001572.5 (MANE Select); coding-DNA position 605, G replaced by C.
Protein change: p.Gly202Ala; replaces glycine 202 with alanine.
Molecular consequence: missense variant.
Genome position (GRCh38, 1-based): chr11:614,248, C>G on the plus strand (G>C on the coding strand, the complement: IRF7 is on the minus strand). VCF-style: chr11-614248-C-G. GRCh37 (hg19) VCF-style: chr11-614248-C-G.
Other names: c.605G>C, p.Gly202Ala (NM_004029.4); c.644G>C, p.Gly215Ala (NM_004031.4); short protein forms G202A, G215A.
Identifiers: ClinVar variation 1356007 (VCV001356007.8), dbSNP rs749371505, ClinGen allele CA378981659.

ClinVar aggregate classification (germline): Uncertain significance (1 of 4 stars; one submission).

Conditions:
Immunodeficiency 39 (IMD39). Identifiers: Orphanet 574918, MedGen C4225358, MONDO:0014597, OMIM 616345.

Submission:

Labcorp Genetics (formerly Invitae), Labcorp
Classification: Uncertain significance for Immunodeficiency 39. Last evaluated: 2025-05-12. Review status: criteria provided, single submitter. Criteria: Invitae Variant Classification Sherloc (09022015). Collection method: clinical testing. Allele origin: germline.
Comment: This sequence change replaces glycine, which is neutral and non-polar, with alanine, which is neutral and non-polar, at codon 215 of the IRF7 protein (p.Gly215Ala). This variant is not present in population databases (gnomAD no frequency). This variant has not been reported in the literature in individuals affected with IRF7-related conditions. ClinVar contains an entry for this variant (Variation ID: 1356007). Invitae Evidence Modeling of protein sequence and biophysical properties (such as structural, functional, and spatial information, amino acid conservation, physicochemical variation, residue mobility, and thermodynamic stability) indicates that this missense variant is not expected to disrupt IRF7 protein function with a negative predictive value of 80%. In summary, the available evidence is currently insufficient to determine the role of this variant in disease. Therefore, it has been classified as a Variant of Uncertain Significance.